The following is an entry in ClinVar:

NM_004064.5(CDKN1B):c.333dup (p.Ser112fs)

Gene: CDKN1B (cyclin dependent kinase inhibitor 1B; plus strand). Cytogenetic location: 12p13.1.
Variant type: Duplication.
Coding change: c.333dup on transcript NM_004064.5 (MANE Select); coding-DNA position 333, one base duplicated (G; older notation c.333dupG).
Protein change: p.Ser112fs; shifts the reading frame from serine 112.
Molecular consequence: frameshift variant.
Genome position (GRCh38, 1-based): chr12:12,718,172, G duplicated; the last of 3 consecutive G bases (chr12:12,718,170-12,718,172); duplicating any one gives the same sequence. VCF-style (leftmost placement, unchanged base first): chr12-12718169-C-CG. GRCh37 (hg19) VCF-style: chr12-12871103-C-CG.
Other names: short protein forms S112fs.
Identifiers: ClinVar variation 3265554 (VCV003265554.1).

ClinVar aggregate classification (germline): Pathogenic (1 of 4 stars; one submission).

Conditions:
Hereditary cancer-predisposing syndrome. Also called: Hereditary Cancer Syndrome; Tumor predisposition; Hereditary neoplastic syndrome; Neoplastic Syndromes, Hereditary. Identifiers: Orphanet 140162, MedGen C0027672, MeSH D009386, MONDO:0015356.

Submission:

Ambry Genetics
Classification: Pathogenic for Hereditary cancer-predisposing syndrome. Last evaluated: 2024-05-08. Review status: criteria provided, single submitter. Criteria: Ambry Variant Classification Scheme 2023. Collection method: clinical testing. Allele origin: germline.
Comment: The c.333dupG pathogenic mutation, located in coding exon 1 of the CDKN1B gene, results from a duplication of G at nucleotide position 333, causing a translational frameshift with a predicted alternate stop codon (p.S112Efs*13). This alteration is expected to result in loss of function by premature protein truncation or nonsense-mediated mRNA decay. As such, this alteration is interpreted as a disease-causing mutation.